The following is an entry in ClinVar:

NM_001330260.2(SCN8A):c.1896C>A (p.Ser632Arg)

Gene: SCN8A (sodium voltage-gated channel alpha subunit 8; plus strand). Cytogenetic location: 12q13.13.
Variant type: single nucleotide variant.
Coding change: c.1896C>A on transcript NM_001330260.2 (MANE Select); coding-DNA position 1896, C replaced by A.
Protein change: p.Ser632Arg; replaces serine 632 with arginine.
Molecular consequence: missense variant.
Genome position (GRCh38, 1-based): chr12:51,721,806, C>A. VCF-style: chr12-51721806-C-A. GRCh37 (hg19) VCF-style: chr12-52115590-C-A.
Other names: c.1896C>A, p.Ser632Arg (NM_001177984.3, NM_001369788.1, NM_014191.4); short protein forms S632R.
Identifiers: ClinVar variation 2727801 (VCV002727801.3), dbSNP rs2540204380, ClinGen allele CA385229816.
Genomic context (GRCh38, chr12:51,721,806, plus strand): 5'-CAGCTACAGCGGCTACAGCGGCTACAGCCAGGGCAGCCGCTCCTCGCGCATCTTCCCCAG[C>A]CTGCGGCGCAGCGTGAAGCGCAACAGCACGGTGGACTGCAACGGCGTGGTGTCCCTCATC-3'
Protein context (NP_001317189.1, residues 622-642): QGSRSSRIFP[Ser632Arg]LRRSVKRNST

ClinVar aggregate classification (germline): Uncertain significance (1 of 4 stars; one submission).

Conditions:
Early-infantile DEE. Also called: Early infantile epileptic encephalopathy; Early infantile epileptic encephalopathy with suppression bursts; Ohtahara syndrome. Identifiers: Orphanet 1934, MedGen C0393706, MONDO:0800491.

Submission:

Labcorp Genetics (formerly Invitae), Labcorp
Classification: Uncertain significance for Early-infantile DEE. Last evaluated: 2024-01-22. Review status: criteria provided, single submitter. Criteria: Invitae Variant Classification Sherloc (09022015). Collection method: clinical testing. Allele origin: germline.
Comment: This sequence change replaces serine, which is neutral and polar, with arginine, which is basic and polar, at codon 632 of the SCN8A protein (p.Ser632Arg). This variant is not present in population databases (gnomAD no frequency). This variant has not been reported in the literature in individuals affected with SCN8A-related conditions. Advanced modeling of protein sequence and biophysical properties (such as structural, functional, and spatial information, amino acid conservation, physicochemical variation, residue mobility, and thermodynamic stability) performed at Invitae indicates that this missense variant is not expected to disrupt SCN8A protein function with a negative predictive value of 95%. In summary, the available evidence is currently insufficient to determine the role of this variant in disease. Therefore, it has been classified as a Variant of Uncertain Significance.